The following is an entry in ClinVar:

ClinVar aggregate classification (germline): Conflicting classifications of pathogenicity. Review status: criteria provided, conflicting classifications (1 of 4 stars). 21 submissions from 21 submitters: Pathogenic (6); Likely pathogenic (7); Uncertain significance (1). 7 of the submissions do not count toward it. Last evaluated 2026-02-01.

Conditions:
PDE6A-related disorder. Also called: PDE6A-related condition.
Retinal dystrophy. Also called: Inherited retinal dystrophy. Identifiers: Orphanet 71862, MedGen C0854723, MeSH D058499, MONDO:0019118, HP:0000556.
Autosomal recessive retinitis pigmentosa. Identifiers: MedGen C0339526.
Retinitis pigmentosa (RP). Identifiers: Orphanet 791, MedGen C0035334, MeSH D012174, MONDO:0019200, OMIM 268000. Inheritance: Autosomal dominant, autosomal recessive and X linked inheritance.
Retinitis pigmentosa 43 (RP43). Identifiers: Orphanet 791, MedGen C3151139, MONDO:0013437, OMIM 613810.
Retinal disorder. Also called: Retinopathy; Retinopathies; Retinal Diseases; Retinal disorders. Identifiers: MedGen C0035309, MONDO:0005283, HP:0000488.

Allele frequency attached by ClinVar (database versions not stated): ESP Exome Variant Server 0.00015; TOPMed 0.00012.
gnomAD v4.1: 239 of 1,614,124 alleles (0.015%); highest among the groups gnomAD compares: South Asian, 0.03%; no homozygotes.

Submissions (21):

Labcorp Genetics (formerly Invitae), Labcorp
Classification: Pathogenic. Last evaluated: 2026-02-01. Review status: criteria provided, single submitter. Criteria: Invitae Variant Classification Sherloc (09022015). Collection method: clinical testing. Allele origin: germline.
Comment: This sequence change replaces arginine, which is basic and polar, with serine, which is neutral and polar, at codon 102 of the PDE6A protein (p.Arg102Ser). This variant is present in population databases (rs141252097, gnomAD 0.03%). This missense change has been observed in individuals with autosomal recessive retinitis pigmentosa (arRP) (PMID: 10393062, 25775262, 26868535, 27917291). It has also been observed to segregate with disease in related individuals. ClinVar contains an entry for this variant (Variation ID: 193099). Invitae Evidence Modeling of protein sequence and biophysical properties (such as structural, functional, and spatial information, amino acid conservation, physicochemical variation, residue mobility, and thermodynamic stability) has been performed for this missense variant. However, the output from this modeling did not meet the statistical confidence thresholds required to predict the impact of this variant on PDE6A protein function. For these reasons, this variant has been classified as Pathogenic.

Blueprint Genetics
Classification: Pathogenic for PDE6A-related disorders. Last evaluated: 2024-06-17. Review status: criteria provided, single submitter. Criteria: ACMG Guidelines, 2015. Collection method: clinical testing. Allele origin: germline. Affected: yes. Observed: 5 variant alleles.

Ophthalmic Genetics Group, Institute of Molecular and Clinical Ophthalmology Basel
Classification: Likely pathogenic for Retinal dystrophy. Last evaluated: 2024-05-27. Review status: criteria provided, single submitter. Criteria: ACMG Guidelines, 2015. Collection method: research. Allele origin: germline. Affected: yes. Observed: 11 variant alleles.
Comment: This variant was classified as Likely pathogenic based on ACMG criteria: PM1_mod, PM2_sup, PM3_strong, PM5_mod, PP3_sup and PP5_sup

Fulgent Genetics
Classification: Pathogenic for Retinitis pigmentosa 43. Last evaluated: 2024-04-19. Review status: criteria provided, single submitter. Criteria: ACMG Guidelines, 2015. Collection method: clinical testing. Allele origin: germline.

Genomic Medicine Center of Excellence, King Faisal Specialist Hospital and Research Centre
Classification: Pathogenic for Retinitis pigmentosa 43. Last evaluated: 2024-03-25. Review status: criteria provided, single submitter. Criteria: ACMG Guidelines, 2015. Collection method: clinical testing. Allele origin: germline.

Institute of Human Genetics, Univ. Regensburg, Univ. Regensburg
Classification: Likely pathogenic for Retinal dystrophy. Last evaluated: 2023-01-01. Review status: criteria provided, single submitter. Criteria: ACMG Guidelines, 2015. Collection method: clinical testing. Allele origin: germline. Affected: yes.

MGZ Medical Genetics Center
Classification: Likely pathogenic for Retinitis pigmentosa 43. Last evaluated: 2022-05-23. Review status: criteria provided, single submitter. Criteria: ACMG Guidelines, 2015. Collection method: clinical testing. Allele origin: germline. Affected: yes. Observed: 1 variant allele.
Comment: ACMG criteria applied: PS4_MOD, PM3, PM5, PM2_SUP

Revvity Omics, Revvity
Classification: Likely pathogenic for Retinitis pigmentosa 43. Last evaluated: 2022-02-24. Review status: criteria provided, single submitter. Criteria: ACMG Guidelines, 2015. Collection method: clinical testing. Allele origin: germline.

AURAGEN, Plan France Médecine Génomique
Classification: Pathogenic for Retinal disorder. Last evaluated: 2022-02-07. Review status: criteria provided, single submitter. Criteria: PFMG2025 (Lancet Reg Health Eur. 2025). Collection method: clinical testing. Allele origin: germline. Affected: yes.

Ocular Genomics Institute, Massachusetts Eye and Ear
Classification: Likely pathogenic for Retinitis pigmentosa 43. Last evaluated: 2021-04-08. Review status: criteria provided, single submitter. Criteria: ACMG Guidelines, 2015. Collection method: research. Allele origin: germline. Affected: yes.
Comment: Through a review of available evidence we were able to apply the following criteria: PS1, PM2, PP1. Based on this evidence we have classified this variant as Likely Pathogenic.

Institute of Medical Genetics and Applied Genomics, University Hospital Tübingen
Classification: Likely pathogenic. Last evaluated: 2020-10-23. Review status: criteria provided, single submitter. Criteria: ACMG Guidelines, 2015. Collection method: clinical testing. Allele origin: germline. Inheritance: Autosomal recessive inheritance. Affected: yes.

CeGaT Center for Human Genetics Tuebingen
Classification: Pathogenic. Last evaluated: 2017-03-01. Review status: criteria provided, single submitter. Criteria: CeGaT Center For Human Genetics Tuebingen Variant Classification Criteria Version 2. Collection method: clinical testing. Allele origin: germline. Affected: yes. Observed: 2 variant alleles.

Illumina Laboratory Services, Illumina
Classification: Likely pathogenic for Retinitis pigmentosa. Last evaluated: 2016-09-20. Review status: criteria provided, single submitter. Criteria: ICSL Variant Classification Criteria 09 May 2019. Collection method: clinical testing. Allele origin: germline.
Comment: The PDE6A c.304C>A (p.Arg102Ser) missense variant has been reported in several studies. The variant was first reported by Dryja et al. (1999), who identified the variant in a compound heterozygous state in a sibling pair affected with autosomal recessive retinitis pigmentosa (arRP) and in a heterozygous state in the unaffected father and an unaffected sibling. Maria et al. (2015) later reported the variant in a homozygous state in a total of five individuals, including two sibling pairs, from a large consanguineous family affected with arRP. The variant was also identified in a heterozygous state in nine unaffected family members. The p.Arg102Ser variant has been further reported in 14 additional individuals, including in a heterozygous state with no second identified variant in a sibling pair affected with arRP, in 11 individuals with arRP where zygosity information is not provided, and in a heterozygous state in an individual with an unidentified retinal disorder (Avila-Fernandez et al. 2010; Booij et al. 2011; Abu-Safieh et al. 2013; van Huet et al. 2015). The p.Arg102Ser variant was absent from 70 controls (Dryja et al. 1999) and is reported at a frequency of 0.00018 in the South Asian population of the Exome Aggregation Consortium. The Arg102 residue is located in the GMP binding domain in exon 1 and is conserved (Dryja et al. 1999). Based on the collective evidence, the p.Arg102Ser variant is classified as likely pathogenic for autosomal recessive retinitis pigmentosa. This variant was observed by ICSL as part of a predisposition screen in an ostensibly healthy population.

Eurofins Ntd Llc (ga)
Classification: Uncertain significance. Last evaluated: 2015-03-05. Review status: criteria provided, single submitter. Criteria: EGL Classification Definitions 2015. Collection method: clinical testing. Allele origin: germline. Observed: 1 variant allele, 1 heterozygote.

PreventionGenetics, part of Exact Sciences
Classification: Pathogenic for PDE6A-related condition. Last evaluated: 2024-09-16. Review status: no assertion criteria provided. Collection method: clinical testing. Allele origin: germline. Not counted in ClinVar's aggregate classification.
Comment: The PDE6A c.304C>A variant is predicted to result in the amino acid substitution p.Arg102Ser. This variant has been reported in the homozygous and compound heterozygous states in many individuals with retinal disease (see for examples: Dryja et al. 1999. PubMed ID: 10393062; Table S1, Holtan et al. 2019. PubMed ID: 31429209; Table S2, Sharon et al. 2019. PubMed ID: 31456290; Table S1, Lin et al. 2024. PubMed ID: 38219857). This variant is reported in 0.026% of alleles in individuals of European (Non-Finnish) descent in gnomAD. Given the evidence, we interpret this variant as pathogenic.

OMIM
Classification: Pathogenic for RETINITIS PIGMENTOSA 43. Last evaluated: 2023-03-23. Review status: no assertion criteria provided. Collection method: literature only. Allele origin: germline. Not counted in ClinVar's aggregate classification.

Sharon lab, Hadassah-Hebrew University Medical Center
Classification: Likely pathogenic for Retinitis pigmentosa. Last evaluated: 2019-06-23. Review status: no assertion criteria provided. Collection method: research. Allele origin: inherited. Affected: yes. Not counted in ClinVar's aggregate classification.

Faculty of Health Sciences, Beirut Arab University
Classification: Pathogenic for Autosomal recessive Retinitis Pigmentosa. Last evaluated: 2012-10-26. Review status: no assertion criteria provided. Collection method: literature only. Allele origin: germline. Affected: yes. Observed: 2 variant alleles. Not counted in ClinVar's aggregate classification.

Clinical Genetics DNA and cytogenetics Diagnostics Lab, Erasmus MC, Erasmus Medical Center
Classification: Likely pathogenic. Review status: no assertion criteria provided. Collection method: clinical testing. Allele origin: germline. Affected: yes. Study: VKGL Data-share Consensus. Not counted in ClinVar's aggregate classification.

Clinical Genetics, Academic Medical Center
Classification: Likely pathogenic. Review status: no assertion criteria provided. Collection method: clinical testing. Allele origin: germline. Affected: yes. Study: VKGL Data-share Consensus. Not counted in ClinVar's aggregate classification.

Joint Genome Diagnostic Labs from Nijmegen and Maastricht, Radboudumc and MUMC+
Classification: Likely pathogenic. Review status: no assertion criteria provided. Collection method: clinical testing. Allele origin: germline. Affected: yes. Study: VKGL Data-share Consensus. Not counted in ClinVar's aggregate classification.

Literature cited by the submitters: PubMed 10393062 (cited by 5 submitters); PubMed 25775262 (cited by 4 submitters); PubMed 26868535 (cited by Labcorp Genetics (formerly Invitae), Labcorp); PubMed 27917291 (cited by Labcorp Genetics (formerly Invitae), Labcorp); PubMed 40180963 (cited by Ophthalmic Genetics Group, Institute of Molecular and Clinical Ophthalmology Basel); PubMed 30998820 (cited by Institute of Human Genetics, Univ. Regensburg, Univ. Regensburg); PubMed 31964843 (cited by Institute of Human Genetics, Univ. Regensburg, Univ. Regensburg); PubMed 31429209 (cited by Institute of Human Genetics, Univ. Regensburg, Univ. Regensburg); PubMed 31456290 (cited by Institute of Human Genetics, Univ. Regensburg, Univ. Regensburg); PubMed 32531858 (cited by Institute of Human Genetics, Univ. Regensburg, Univ. Regensburg); PubMed 32037395 (cited by Institute of Human Genetics, Univ. Regensburg, Univ. Regensburg); PubMed 33576794 (cited by Institute of Human Genetics, Univ. Regensburg, Univ. Regensburg); PubMed 34426522 (cited by Institute of Human Genetics, Univ. Regensburg, Univ. Regensburg); PubMed 34057927 (cited by Institute of Human Genetics, Univ. Regensburg, Univ. Regensburg); PubMed 36460718 (cited by Institute of Human Genetics, Univ. Regensburg, Univ. Regensburg); PubMed 36140798 (cited by Institute of Human Genetics, Univ. Regensburg, Univ. Regensburg); PubMed 36819107 (cited by Institute of Human Genetics, Univ. Regensburg, Univ. Regensburg); PubMed 35533076 (cited by OMIM); PubMed 23105016 (cited by Faculty of Health Sciences, Beirut Arab University).

NM_000440.3(PDE6A):c.304C>A (p.Arg102Ser)

Gene: PDE6A (phosphodiesterase 6A; minus strand). Cytogenetic location: 5q32.
Variant type: single nucleotide variant.
Coding change: c.304C>A on transcript NM_000440.3 (MANE Select); coding-DNA position 304, C replaced by A.
Protein change: p.Arg102Ser; replaces arginine 102 with serine.
Molecular consequence: missense variant.
Genome position (GRCh38, 1-based): chr5:149,944,370, G>T on the plus strand (C>A on the coding strand, the complement: PDE6A is on the minus strand). VCF-style: chr5-149944370-G-T. GRCh37 (hg19) VCF-style: chr5-149323933-G-T.
Other names: NP_000431.2:p.(Arg102Ser); c.304C>A, p.Arg102Ser (NM_001410788.1); short protein forms R102S.
Identifiers: ClinVar variation 193099 (VCV000193099.74), dbSNP rs141252097, ClinGen allele CA238610.